The following is an entry in ClinVar:

NM_001008777.3(FBXO47):c.657T>C (p.Cys219=)

Gene: FBXO47 (F-box protein 47; minus strand). Cytogenetic location: 17q12.
Variant type: single nucleotide variant.
Coding change: c.657T>C on transcript NM_001008777.3 (MANE Select); coding-DNA position 657, T replaced by C.
Protein change: p.Cys219=; no amino-acid change (cysteine 219 retained).
Molecular consequence: synonymous variant.
Genome position (GRCh38, 1-based): chr17:38,945,096, A>G on the plus strand (T>C on the coding strand, the complement: FBXO47 is on the minus strand). VCF-style: chr17-38945096-A-G. GRCh37 (hg19) VCF-style: chr17-37101349-A-G.
Identifiers: ClinVar variation 3039518 (VCV003039518.2), dbSNP rs138301038, ClinGen allele CA8527226.

ClinVar aggregate classification (germline): Likely benign (0 of 4 stars; one submission).

Conditions:
FBXO47-related disorder. Also called: FBXO47-related condition.

Allele frequency attached by ClinVar (database versions not stated): gnomAD exomes 0.00006; ExAC 0.00019; TOPMed 0.00050; gnomAD 0.00051; ESP Exome Variant Server 0.00092.
gnomAD v4.1: 177 of 1,613,634 alleles (0.011%); highest among the groups gnomAD compares: African/African-American, 0.17%; no homozygotes.

Submission:

PreventionGenetics, part of Exact Sciences
Classification: Likely benign for FBXO47-related condition. Last evaluated: 2019-05-28. Review status: no assertion criteria provided. Collection method: clinical testing. Allele origin: germline.
Comment: This variant is classified as likely benign based on ACMG/AMP sequence variant interpretation guidelines (Richards et al. 2015 PMID: 25741868, with internal and published modifications).